The following is an entry in ClinVar:

NM_001220.5(CAMK2B):c.285dup (p.Gly96fs)

Gene: CAMK2B (calcium/calmodulin dependent protein kinase II beta; minus strand). Cytogenetic location: 7p13.
Variant type: Duplication.
Coding change: c.285dup on transcript NM_001220.5 (MANE Select); coding-DNA position 285, one base duplicated (T; older notation c.285dupT).
Protein change: p.Gly96fs; shifts the reading frame from glycine 96.
Molecular consequence: frameshift variant.
Genome position (GRCh38, 1-based): chr7:44,254,598, A duplicated on the plus strand (T on the coding strand, the reverse complement: CAMK2B is on the minus strand). VCF-style (leftmost placement, unchanged base first): chr7-44254597-C-CA. GRCh37 (hg19) VCF-style: chr7-44294196-C-CA.
Other names: c.285dup, p.Gly96fs (NM_001293170.2, NM_172078.3, NM_172079.3 and 5 more transcripts); short protein forms G96fs.
Identifiers: ClinVar variation 2815345 (VCV002815345.3), dbSNP rs2486551510, ClinGen allele CA2739266413.

ClinVar aggregate classification (germline): Uncertain significance (1 of 4 stars; one submission).

Submission:

Labcorp Genetics (formerly Invitae), Labcorp
Classification: Uncertain significance. Last evaluated: 2022-11-19. Review status: criteria provided, single submitter. Criteria: Invitae Variant Classification Sherloc (09022015). Collection method: clinical testing. Allele origin: germline.
Comment: In summary, the available evidence is currently insufficient to determine the role of this variant in disease. Therefore, it has been classified as a Variant of Uncertain Significance. This variant has not been reported in the literature in individuals affected with CAMK2B-related conditions. This variant is not present in population databases (gnomAD no frequency). This sequence change creates a premature translational stop signal (p.Gly96Trpfs*5) in the CAMK2B gene. It is expected to result in an absent or disrupted protein product. However, the current clinical and genetic evidence is not sufficient to establish whether loss-of-function variants in CAMK2B cause disease.